The following is an entry in ClinVar:

ClinVar aggregate classification (germline): Benign/Likely benign. Review status: criteria provided, multiple submitters, no conflicts (2 of 4 stars). 2 submissions from 2 submitters: Benign (1); Likely benign (1). Last evaluated 2024-10-03.

Conditions:
Familial cancer of breast. Also called: hereditary breast carcinoma; BREAST CANCER, FAMILIAL; Hereditary breast cancer. Identifiers: Orphanet 227535, MedGen C0346153, MONDO:0016419, OMIM 114480. Disease mechanism: loss of function.

Submissions (2):

Myriad Genetics, Inc.
Classification: Benign for Familial cancer of breast. Last evaluated: 2024-10-03. Review status: criteria provided, single submitter. Criteria: Myriad Autosomal Dominant, Autosomal Recessive and X-Linked Classification Criteria (2023). Collection method: clinical testing. Allele origin: unknown.
Comment: This variant is considered benign. This variant is a silent/synonymous amino acid change and it is not expected to impact splicing.

Labcorp Genetics (formerly Invitae), Labcorp
Classification: Likely benign for Familial cancer of breast. Last evaluated: 2020-10-04. Review status: criteria provided, single submitter. Criteria: Invitae Variant Classification Sherloc (09022015). Collection method: clinical testing. Allele origin: germline.

NM_007194.4(CHEK2):c.621T>C (p.Asp207=)

Gene: CHEK2 (checkpoint kinase 2; minus strand). Cytogenetic location: 22q12.1.
Variant type: single nucleotide variant.
Coding change: c.621T>C on transcript NM_007194.4 (MANE Select); coding-DNA position 621, T replaced by C.
Protein change: p.Asp207=; no amino-acid change (aspartic acid 207 retained).
Molecular consequence: synonymous variant. On other transcripts: 5 prime UTR variant (2), intron variant (1).
Genome position (GRCh38, 1-based): chr22:28,719,457, A>G on the plus strand (T>C on the coding strand, the complement: CHEK2 is on the minus strand). VCF-style: chr22-28719457-A-G. GRCh37 (hg19) VCF-style: chr22-29115445-A-G.
Other names: c.750T>C, p.Asp250= (NM_001005735.3, NM_001438294.1); c.-43T>C (NM_001257387.3, NM_001437942.1); c.714T>C, p.Asp238= (NM_001438293.1, NM_001438295.1); c.621T>C, p.Asp207= (NM_145862.3); c.482+5429T>C (NM_001349956.3).
Identifiers: ClinVar variation 1116400 (VCV001116400.11), dbSNP rs1555924486, ClinGen allele CA513945262.